The following is an entry in ClinVar:

ClinVar aggregate classification (germline): Likely pathogenic. Review status: criteria provided, single submitter (1 of 4 stars). 3 submissions from 3 submitters: Likely pathogenic (1). 2 of the submissions do not count toward it. Last evaluated 2018-04-16.

Conditions:
Combined oxidative phosphorylation deficiency 32 (COXPD32). Identifiers: MedGen C4540029, MONDO:0054654, OMIM 617664.
Leigh syndrome (NULS). Also called: LEIGH SYNDROME, NUCLEAR; Leigh Syndrome (mtDNA deletion); Leigh's necrotizing encephalopathy; Leigh's disease; Subacute necrotizing encephalopathy; Necrotizing encephalopathy infantile subacute of Leigh. Identifiers: Orphanet 506, MedGen C2931891, MONDO:0009723, OMIM 256000.

Allele frequency attached by ClinVar (database versions not stated): gnomAD exomes below 0.00001.

Submissions (3):

SIB Swiss Institute of Bioinformatics
Classification: Likely pathogenic for Combined oxidative phosphorylation deficiency 32. Last evaluated: 2018-04-16. Review status: criteria provided, single submitter. Criteria: ACMG Guidelines, 2015. Collection method: curation. Allele origin: germline.
Comment: This variant is interpreted as a Likely Pathogenic, for Combined oxidative phosphorylation deficiency 32, Autosomal Recessive inheritance. The following ACMG Tag(s) were applied: PM2 => Absent from controls (or at extremely low frequency if recessive) in Exome Sequencing Project, 1000 Genomes Project, or Exome Aggregation Consortium. PP3 => Multiple lines of computational evidence support a deleterious effect on the gene or gene product. PS3 => Well-established functional studies show a deleterious effect (PMID:28777931).

OMIM
Classification: Pathogenic for COMBINED OXIDATIVE PHOSPHORYLATION DEFICIENCY 32. Last evaluated: 2017-09-16. Review status: no assertion criteria provided. Collection method: literature only. Allele origin: germline. Not counted in ClinVar's aggregate classification.

Genetics of Mitochondrial Diseases, Imagine Institute
Classification: Likely pathogenic for Leigh syndrome. Review status: no assertion criteria provided. Collection method: research. Allele origin: not applicable. Inheritance: Autosomal recessive inheritance. Not counted in ClinVar's aggregate classification.

Literature cited by the submitters: PubMed 28777931 (cited by SIB Swiss Institute of Bioinformatics and OMIM).

NM_023936.2(MRPS34):c.37G>A (p.Glu13Lys)

Genes: EME2 (essential meiotic structure-specific endonuclease subunit 2; plus strand), MRPS34 (mitochondrial ribosomal protein S34; minus strand), LOC130058184 (ATAC-STARR-seq lymphoblastoid active region 10237; plus strand). Cytogenetic location: 16p13.3.
Variant type: single nucleotide variant.
Coding change: c.37G>A on transcript NM_023936.2 (MANE Select); coding-DNA position 37, G replaced by A.
Protein change: p.Glu13Lys; replaces glutamic acid 13 with lysine.
Molecular consequence: missense variant.
Genome position (GRCh38, 1-based): chr16:1,773,083, C>T on the plus strand (G>A on the coding strand, the complement: MRPS34 is on the minus strand). VCF-style: chr16-1773083-C-T. GRCh37 (hg19) VCF-style: chr16-1823084-C-T.
Other names: NM_001300900.1:c.37G>A(p.Glu13Lys); NM_023936.1:c.37G>A(p.Glu13Lys); c.37G>A, p.Glu13Lys (NM_001300900.2); short protein forms E13K.
Identifiers: ClinVar variation 430585 (VCV000430585.4), dbSNP rs1131692037, ClinGen allele CA394244567.